The following is an entry in ClinVar:

ClinVar aggregate classification (germline): Uncertain significance (1 of 4 stars; one submission).

Conditions:
DMXL2-related disorder. Also called: DMXL2-related condition.

gnomAD v4.1: 9 of 1,614,096 alleles (0.00056%); highest among the groups gnomAD compares: Non-Finnish European, 0.00068%; no homozygotes.

Submission:

PreventionGenetics, part of Exact Sciences
Classification: Uncertain significance for DMXL2-related condition. Last evaluated: 2024-12-11. Review status: criteria provided, single submitter. Criteria: ACMG Guidelines, 2015. Collection method: clinical testing. Allele origin: germline.
Comment: The DMXL2 c.3722C>T variant is predicted to result in the amino acid substitution p.Ser1241Phe. To our knowledge, this variant has not been reported in the literature or in a large population database (gnomAD), indicating this variant is rare. At this time, the clinical significance of this variant is uncertain due to the absence of conclusive functional and genetic evidence.

NM_001378457.1(DMXL2):c.3722C>T (p.Ser1241Phe)

Gene: DMXL2 (Dmx like 2; minus strand). Cytogenetic location: 15q21.2.
Variant type: single nucleotide variant.
Coding change: c.3722C>T on transcript NM_001378457.1 (MANE Select); coding-DNA position 3722, C replaced by T.
Protein change: p.Ser1241Phe; replaces serine 1241 with phenylalanine.
Molecular consequence: missense variant. On other transcripts: non-coding transcript variant (2), intron variant (2).
Genome position (GRCh38, 1-based): chr15:51,499,502, G>A on the plus strand (C>T on the coding strand, the complement: DMXL2 is on the minus strand). VCF-style: chr15-51499502-G-A. GRCh37 (hg19) VCF-style: chr15-51791699-G-A.
Other names: c.3722C>T, p.Ser1241Phe (NM_001174116.3, NM_001378458.1, NM_001378459.1 and 4 more transcripts); c.3482C>T, p.Ser1161Phe (NM_001378464.1); c.2764+7632C>T (NM_001378460.1); c.2765-4368C>T (NM_001174117.3); short protein forms S1241F, S1161F.
Identifiers: ClinVar variation 4999064 (VCV004999064.1).